The following is an entry in ClinVar:

ClinVar aggregate classification (germline): Uncertain significance (1 of 4 stars; one submission).

Conditions:
Atrial fibrillation, familial, 7 (ATFB7). Identifiers: MedGen C2677106, MONDO:0012828, OMIM 612240.

Allele frequency attached by ClinVar (database versions not stated): TOPMed below 0.00001; gnomAD exomes 0.00001; ExAC 0.00004.
gnomAD v4.1: 8 of 1,614,164 alleles (0.0005%); highest among the groups gnomAD compares: Non-Finnish European, 0.00068%; no homozygotes.

Submission:

Labcorp Genetics (formerly Invitae), Labcorp
Classification: Uncertain significance for Atrial fibrillation, familial, 7. Last evaluated: 2023-03-13. Review status: criteria provided, single submitter. Criteria: Invitae Variant Classification Sherloc (09022015). Collection method: clinical testing. Allele origin: germline.
Comment: In summary, the available evidence is currently insufficient to determine the role of this variant in disease. Therefore, it has been classified as a Variant of Uncertain Significance. Advanced modeling of protein sequence and biophysical properties (such as structural, functional, and spatial information, amino acid conservation, physicochemical variation, residue mobility, and thermodynamic stability) performed at Invitae indicates that this missense variant is not expected to disrupt KCNA5 protein function. This variant has not been reported in the literature in individuals affected with KCNA5-related conditions. This variant is present in population databases (rs780720700, gnomAD 0.004%). This sequence change replaces methionine, which is neutral and non-polar, with threonine, which is neutral and polar, at codon 357 of the KCNA5 protein (p.Met357Thr).

NM_002234.4(KCNA5):c.1070T>C (p.Met357Thr)

Gene: KCNA5 (potassium voltage-gated channel subfamily A member 5; plus strand). Cytogenetic location: 12p13.32.
Variant type: single nucleotide variant.
Coding change: c.1070T>C on transcript NM_002234.4 (MANE Select); coding-DNA position 1070, T replaced by C.
Protein change: p.Met357Thr; replaces methionine 357 with threonine.
Molecular consequence: missense variant.
Genome position (GRCh38, 1-based): chr12:5,045,217, T>C. VCF-style: chr12-5045217-T-C. GRCh37 (hg19) VCF-style: chr12-5154383-T-C.
Other names: short protein forms M357T.
Identifiers: ClinVar variation 2713308 (VCV002713308.3), dbSNP rs780720700, ClinGen allele CA6399797.